The following is an entry in ClinVar:

NM_001164277.2(SLC37A4):c.985+286G>T

Gene: SLC37A4 (solute carrier family 37 member 4; minus strand). Cytogenetic location: 11q23.3.
Variant type: single nucleotide variant.
Coding change: c.985+286G>T on transcript NM_001164277.2 (MANE Select); 286 bases into the intron after coding-DNA position 985, G replaced by T.
Molecular consequence: intron variant.
Genome position (GRCh38, 1-based): chr11:119,025,681, C>A on the plus strand (G>T on the coding strand, the complement: SLC37A4 is on the minus strand). VCF-style: chr11-119025681-C-A. GRCh37 (hg19) VCF-style: chr11-118896391-C-A.
Other names: c.766+286G>T (NM_001164279.2); c.985+286G>T (NM_001467.6, NM_001164280.2); c.1051+11G>T (NM_001164278.2).
Identifiers: ClinVar variation 5003697 (VCV005003697.1).

ClinVar aggregate classification (germline): Uncertain significance (1 of 4 stars; one submission).

Conditions:
Glycogen storage disease, type I. Identifiers: Orphanet 364, MedGen C0017920, MONDO:0002413.

Submission:

Myriad Genetics, Inc.
Classification: Uncertain significance for Glycogen storage disease, type I. Last evaluated: 2025-12-29. Review status: criteria provided, single submitter. Criteria: Myriad Autosomal Dominant, Autosomal Recessive and X-Linked Classification Criteria (2023). Collection method: clinical testing. Allele origin: unknown.
Comment: NM_001164277.1(SLC37A4):c.984+286G>T is an intronic variant classified as a variant of uncertain significance in the context of glycogen storage disease type Ib. c.984+286G>T has not been observed in cases with relevant disease. Relevant functional assessments of this variant are not available in the literature. c.984+286G>T has not been observed in referenced population frequency databases. In summary, there is insufficient evidence to classify NM_001164277.1(SLC37A4):c.984+286G>T as pathogenic or benign. Please note: this variant was assessed in the context of healthy population screening.